The following is an entry in ClinVar:

NM_001303256.3(MORC2):c.825-3C>A

Gene: MORC2 (MORC family CW-type zinc finger 2; minus strand). Cytogenetic location: 22q12.2.
Variant type: single nucleotide variant.
Coding change: c.825-3C>A on transcript NM_001303256.3 (MANE Select); 3 bases into the intron before coding-DNA position 825, C replaced by A.
Molecular consequence: intron variant.
Genome position (GRCh38, 1-based): chr22:30,940,840, G>T on the plus strand (C>A on the coding strand, the complement: MORC2 is on the minus strand). VCF-style: chr22-30940840-G-T. GRCh37 (hg19) VCF-style: chr22-31336827-G-T.
Other names: c.825-3C>A (NM_001303257.2); c.639-3C>A (NM_014941.3).
Identifiers: ClinVar variation 1438519 (VCV001438519.8), dbSNP rs752040112, ClinGen allele CA10187143.

ClinVar aggregate classification (germline): Uncertain significance. Review status: criteria provided, multiple submitters, no conflicts (2 of 4 stars). 2 submissions from 2 submitters: Uncertain significance (2). Last evaluated 2024-04-29.

Conditions:
Charcot-Marie-Tooth disease axonal type 2Z. Also called: CHARCOT-MARIE-TOOTH DISEASE, AXONAL, AUTOSOMAL DOMINANT, TYPE 2Z; CHARCOT-MARIE-TOOTH NEUROPATHY, TYPE 2Z. Identifiers: Orphanet 466768, MedGen C5569025, MONDO:0014736, OMIM 616688.
Inborn genetic diseases. Identifiers: MedGen C0950123, MeSH D030342.

Allele frequency attached by ClinVar (database versions not stated): gnomAD exomes below 0.00001 and 0.00001; ExAC 0.00001; gnomAD 0.00001; TOPMed 0.00001.
gnomAD v4.1: 2 of 1,613,718 alleles (0.00012%); highest among the groups gnomAD compares: African/African-American, 0.0027%; no homozygotes.

Submissions (2):

Labcorp Genetics (formerly Invitae), Labcorp
Classification: Uncertain significance for Charcot-Marie-Tooth disease axonal type 2Z. Last evaluated: 2024-04-29. Review status: criteria provided, single submitter. Criteria: Invitae Variant Classification Sherloc (09022015). Collection method: clinical testing. Allele origin: germline.
Comment: This sequence change falls in intron 9 of the MORC2 gene. It does not directly change the encoded amino acid sequence of the MORC2 protein. It affects a nucleotide within the consensus splice site. This variant is present in population databases (rs752040112, gnomAD 0.01%). This variant has not been reported in the literature in individuals affected with MORC2-related conditions. ClinVar contains an entry for this variant (Variation ID: 1438519). Variants that disrupt the consensus splice site are a relatively common cause of aberrant splicing (PMID: 17576681, 9536098). Algorithms developed to predict the effect of sequence changes on RNA splicing suggest that this variant may disrupt the consensus splice site. In summary, the available evidence is currently insufficient to determine the role of this variant in disease. Therefore, it has been classified as a Variant of Uncertain Significance.

Ambry Genetics
Classification: Uncertain significance for Inborn genetic diseases. Last evaluated: 2020-04-13. Review status: criteria provided, single submitter. Criteria: Ambry Variant Classification Scheme 2023. Collection method: clinical testing. Allele origin: germline.
Comment: The c.825-3C>A intronic variant results from a C to A substitution 3 nucleotides upstream from coding exon 10 in the MORC2 gene. This nucleotide position is well conserved in available vertebrate species. Using the BDGP and ESEfinder splice site prediction tools, this alteration is predicted to abolish the native splice acceptor site; however, direct evidence is unavailable. Since supporting evidence is limited at this time, the clinical significance of this alteration remains unclear.

Literature cited by the submitters: PubMed 17576681 (cited by Labcorp Genetics (formerly Invitae), Labcorp); PubMed 9536098 (cited by Labcorp Genetics (formerly Invitae), Labcorp).